The following is an entry in ClinVar:

ClinVar aggregate classification (germline): Uncertain significance (1 of 4 stars; one submission).

Submission:

Labcorp Genetics (formerly Invitae), Labcorp
Classification: Uncertain significance. Last evaluated: 2025-01-18. Review status: criteria provided, single submitter. Criteria: Invitae Variant Classification Sherloc (09022015). Collection method: clinical testing. Allele origin: germline.
Comment: This sequence change replaces glycine, which is neutral and non-polar, with serine, which is neutral and polar, at codon 782 of the UNC45A protein (p.Gly782Ser). This variant is not present in population databases (gnomAD no frequency). This variant has not been reported in the literature in individuals affected with UNC45A-related conditions. Invitae Evidence Modeling of protein sequence and biophysical properties (such as structural, functional, and spatial information, amino acid conservation, physicochemical variation, residue mobility, and thermodynamic stability) indicates that this missense variant is not expected to disrupt UNC45A protein function with a negative predictive value of 80%. In summary, the available evidence is currently insufficient to determine the role of this variant in disease. Therefore, it has been classified as a Variant of Uncertain Significance.

NM_018671.5(UNC45A):c.2344G>A (p.Gly782Ser)

Genes: RCCD1-AS1 (RCCD1 and UNC45A antisense RNA 1; minus strand), UNC45A (unc-45 myosin chaperone A; plus strand). Cytogenetic location: 15q26.1.
Variant type: single nucleotide variant.
Coding change: c.2344G>A on transcript NM_018671.5 (MANE Select); coding-DNA position 2344, G replaced by A.
Protein change: p.Gly782Ser; replaces glycine 782 with serine.
Molecular consequence: missense variant. On other transcripts: non-coding transcript variant (1).
Genome position (GRCh38, 1-based): chr15:90,952,969, G>A. VCF-style: chr15-90952969-G-A. GRCh37 (hg19) VCF-style: chr15-91496199-G-A.
Other names: c.2299G>A, p.Gly767Ser (NM_001039675.2, NM_001323621.2); c.2344G>A, p.Gly782Ser (NM_001323619.1); c.1909G>A, p.Gly637Ser (NM_001323620.2); short protein forms G637S, G767S, G782S.
Identifiers: ClinVar variation 3631337 (VCV003631337.2).
Genomic context (GRCh38, chr15:90,952,969, plus strand): 5'-TTCCTCCTGTGGCCCTGCAGGCAGAAGATCCTGAAGGAGAAGGCTGTGCCCATGATAGAA[G>A]GCTACATGTTTGAGGAGCATGAGATGATCCGCCGGGCAGCCACGGAGTGCATGTGTAACT-3'
Protein context (NP_061141.2, residues 772-792): LKEKAVPMIE[Gly782Ser]YMFEEHEMIR